The following is an entry in ClinVar:

NM_001034853.2(RPGR):c.2724dup (p.Glu909fs)

Gene: RPGR (retinitis pigmentosa GTPase regulator; minus strand). Cytogenetic location: Xp11.4.
Variant type: Duplication.
Coding change: c.2724dup on transcript NM_001034853.2 (MANE Select); coding-DNA position 2724, one base duplicated (A; older notation c.2724dupA).
Protein change: p.Glu909fs; shifts the reading frame from glutamic acid 909.
Molecular consequence: frameshift variant. On other transcripts: intron variant (8).
Genome position (GRCh38, 1-based): chrX:38,286,275, T duplicated on the plus strand (A on the coding strand, the reverse complement: RPGR is on the minus strand). VCF-style (leftmost placement, unchanged base first): chrX-38286274-C-CT. GRCh37 (hg19) VCF-style: chrX-38145527-C-CT.
Other names: c.1569+4684dup (NM_001367249.1, NM_001367250.1); c.1902+819dup (NM_001367245.1); c.1386+4684dup (NM_001367251.1); c.1719+819dup (NM_001367246.1); c.1572+4684dup (NM_001367247.1); c.1905+819dup (NM_000328.3); c.1602+4684dup (NM_001367248.1); short protein forms E909fs.
Identifiers: ClinVar variation 4996162 (VCV004996162.1).

ClinVar aggregate classification (germline): Pathogenic (1 of 4 stars; one submission).

Conditions:
RPGR-related disorder. Also called: RPGR-related condition.

Submission:

PreventionGenetics, part of Exact Sciences
Classification: Pathogenic for RPGR-related condition. Last evaluated: 2026-06-01. Review status: criteria provided, single submitter. Criteria: ACMG Guidelines, 2015. Collection method: clinical testing. Allele origin: germline.
Comment: The RPGR c.2724dupA variant is predicted to result in a frameshift and premature protein termination (p.Glu909Argfs*170). To our knowledge, this variant has not been reported in the literature or in a large population database (gnomAD), indicating this variant is rare. Frameshift variants in exon 15 of RPGR (also known as ORF15) have been well-documented to cause X-linked retinitis pigmentosa (Shu et al. 2007. PubMed ID: 17195164). Given the evidence, we interpret this variant as pathogenic.